The following is an entry in ClinVar:

ClinVar aggregate classification (germline): Uncertain significance. Review status: criteria provided, multiple submitters, no conflicts (2 of 4 stars). 2 submissions from 2 submitters: Uncertain significance (2). Last evaluated 2025-11-01.

Allele frequency attached by ClinVar (database versions not stated): gnomAD 0.00003; gnomAD exomes 0.00004; TOPMed 0.00004.
gnomAD v4.1: 61 of 1,614,022 alleles (0.0038%); highest among the groups gnomAD compares: Middle Eastern, 0.016%; no homozygotes.

Submissions (2):

Labcorp Genetics (formerly Invitae), Labcorp
Classification: Uncertain significance. Last evaluated: 2025-11-01. Review status: criteria provided, single submitter. Criteria: Invitae Variant Classification Sherloc (09022015). Collection method: clinical testing. Allele origin: germline.
Comment: This sequence change replaces alanine, which is neutral and non-polar, with valine, which is neutral and non-polar, at codon 425 of the HYOU1 protein (p.Ala425Val). This variant is present in population databases (rs149886341, gnomAD 0.006%). This variant has not been reported in the literature in individuals affected with HYOU1-related conditions. ClinVar contains an entry for this variant (Variation ID: 1919703). An algorithm developed to predict the effect of missense changes on protein structure and function outputs the following: PolyPhen-2: "Benign". The valine amino acid residue is found in multiple mammalian species, which suggests that this missense change does not adversely affect protein function. In summary, the available evidence is currently insufficient to determine the role of this variant in disease. Therefore, it has been classified as a Variant of Uncertain Significance.

Ambry Genetics
Classification: Uncertain significance. Last evaluated: 2025-08-21. Review status: criteria provided, single submitter. Criteria: Ambry Variant Classification Scheme 2023. Collection method: clinical testing. Allele origin: germline.

NM_006389.5(HYOU1):c.1274C>T (p.Ala425Val)

Genes: HYOU1 (hypoxia up-regulated 1; minus strand), LOC130006884 (ATAC-STARR-seq lymphoblastoid active region 5617; plus strand). Cytogenetic location: 11q23.3.
Variant type: single nucleotide variant.
Coding change: c.1274C>T on transcript NM_006389.5 (MANE Select); coding-DNA position 1274, C replaced by T.
Protein change: p.Ala425Val; replaces alanine 425 with valine.
Molecular consequence: missense variant.
Genome position (GRCh38, 1-based): chr11:119,051,883, G>A on the plus strand (C>T on the coding strand, the complement: HYOU1 is on the minus strand). VCF-style: chr11-119051883-G-A. GRCh37 (hg19) VCF-style: chr11-118922595-G-A.
Other names: c.1274C>T, p.Ala425Val (NM_001130991.3, NM_001411041.1); c.1274C>T (NM_006389.3); short protein forms A425V.
Identifiers: ClinVar variation 1919703 (VCV001919703.8), dbSNP rs149886341, ClinGen allele CA229622490.